The following is an entry in ClinVar:

NM_001371194.2(SEMA4D):c.510T>C (p.Asp170=)

Gene: SEMA4D (semaphorin 4D; minus strand). Cytogenetic location: 9q22.2.
Variant type: single nucleotide variant.
Coding change: c.510T>C on transcript NM_001371194.2 (MANE Select); coding-DNA position 510, T replaced by C.
Protein change: p.Asp170=; no amino-acid change (aspartic acid 170 retained).
Molecular consequence: synonymous variant. On other transcripts: non-coding transcript variant (6).
Genome position (GRCh38, 1-based): chr9:89,392,535, A>G on the plus strand (T>C on the coding strand, the complement: SEMA4D is on the minus strand). VCF-style: chr9-89392535-A-G. GRCh37 (hg19) VCF-style: chr9-92007450-A-G.
Other names: c.510T>C, p.Asp170= (NM_001142287.2, NM_001371195.1, NM_001371196.1 and 7 more transcripts).
Identifiers: ClinVar variation 3040735 (VCV003040735.2), dbSNP rs374144974, ClinGen allele CA5118669.

ClinVar aggregate classification (germline): Likely benign (0 of 4 stars; one submission).

Conditions:
SEMA4D-related disorder. Also called: SEMA4D-related condition.

Allele frequency attached by ClinVar (database versions not stated): gnomAD exomes 0.00002; ExAC 0.00007; gnomAD 0.00013; ESP Exome Variant Server 0.00015; TOPMed 0.00020; 1000 Genomes Project 30x 0.00031; 1000 Genomes Project 0.00040.
gnomAD v4.1: 54 of 1,606,182 alleles (0.0034%); highest among the groups gnomAD compares: African/African-American, 0.059%; 1 homozygote.

Submission:

PreventionGenetics, part of Exact Sciences
Classification: Likely benign for SEMA4D-related condition. Last evaluated: 2019-10-28. Review status: no assertion criteria provided. Collection method: clinical testing. Allele origin: germline.
Comment: This variant is classified as likely benign based on ACMG/AMP sequence variant interpretation guidelines (Richards et al. 2015 PMID: 25741868, with internal and published modifications).